The following is an entry in ClinVar:

ClinVar aggregate classification (germline): Likely benign. Review status: criteria provided, multiple submitters, no conflicts (2 of 4 stars). 2 submissions from 2 submitters: Likely benign (2). Last evaluated 2023-05-01.

Conditions:
Brachyolmia-amelogenesis imperfecta syndrome. Also called: Tooth agenesis, selective, 6; Dental anomalies and short stature; PLATYSPONDYLY WITH AMELOGENESIS IMPERFECTA. Identifiers: Orphanet 2899, MedGen C1832594, MONDO:0011018, OMIM 601216. Disease mechanism: loss of function.

Submissions (2):

CeGaT Center for Human Genetics Tuebingen
Classification: Likely benign. Last evaluated: 2023-05-01. Review status: criteria provided, single submitter. Criteria: CeGaT Center For Human Genetics Tuebingen Variant Classification Criteria Version 2. Collection method: clinical testing. Allele origin: germline. Affected: yes. Observed: 1 variant allele.
Comment: LTBP3: BP4, BP7

Labcorp Genetics (formerly Invitae), Labcorp
Classification: Likely benign for Dental anomalies and short stature. Last evaluated: 2019-12-31. Review status: criteria provided, single submitter. Criteria: Invitae Variant Classification Sherloc (09022015). Collection method: clinical testing. Allele origin: germline.

NM_001130144.3(LTBP3):c.39T>G (p.Pro13=)

Gene: LTBP3 (latent transforming growth factor beta binding protein 3; minus strand). Cytogenetic location: 11q13.1.
Variant type: single nucleotide variant.
Coding change: c.39T>G on transcript NM_001130144.3 (MANE Select); coding-DNA position 39, T replaced by G.
Protein change: p.Pro13=; no amino-acid change (proline 13 retained).
Molecular consequence: synonymous variant. On other transcripts: 5 prime UTR variant (1).
Genome position (GRCh38, 1-based): chr11:65,557,921, A>C on the plus strand (T>G on the coding strand, the complement: LTBP3 is on the minus strand). VCF-style: chr11-65557921-A-C. GRCh37 (hg19) VCF-style: chr11-65325392-A-C.
Other names: c.-309T>G (NM_001164266.1); c.39T>G, p.Pro13= (NM_021070.4).
Identifiers: ClinVar variation 735578 (VCV000735578.31), dbSNP rs1590792358, ClinGen allele CA475040927.